The following is an entry in ClinVar:

NM_001367624.2(ZNF469):c.10118T>C (p.Val3373Ala)

Genes: ZNF469 (zinc finger protein 469; plus strand), LOC130059719 (ATAC-STARR-seq lymphoblastoid silent region 7848; plus strand). Cytogenetic location: 16q24.2.
Variant type: single nucleotide variant.
Coding change: c.10118T>C on transcript NM_001367624.2 (MANE Select); coding-DNA position 10118, T replaced by C.
Protein change: p.Val3373Ala; replaces valine 3373 with alanine.
Molecular consequence: missense variant.
Genome position (GRCh38, 1-based): chr16:88,437,588, T>C. VCF-style: chr16-88437588-T-C. GRCh37 (hg19) VCF-style: chr16-88503996-T-C.
Other names: NM_001127464.1:c.10034T>C; short protein forms V3373A.
Identifiers: ClinVar variation 3987301 (VCV003987301.1).
Genomic context (GRCh38, chr16:88,437,588, plus strand): 5'-AGCGCCACCTGGCGGTGCACAGCCCGCAGCGCGTCTACCTGTGCCCCCGGTGCCCCCGGG[T>C]CTACCCCGAGCACGGGGAGCTGCTGGCACACCTGGGCGGGGCGCACGGGCTGCTGGAGCG-3'
Protein context (NP_001354553.1, residues 3363-3383): RVYLCPRCPR[Val3373Ala]YPEHGELLAH

ClinVar aggregate classification (germline): Uncertain significance (1 of 4 stars; one submission).

Conditions:
Cardiovascular phenotype. Identifiers: MedGen CN230736.

gnomAD v4.1: 1 of 1,538,174 alleles (0.000065%); highest among the groups gnomAD compares: Non-Finnish European, 0.000088%; no homozygotes.

Submission:

Ambry Genetics
Classification: Uncertain significance for Cardiovascular phenotype. Last evaluated: 2025-03-25. Review status: criteria provided, single submitter. Criteria: Ambry Variant Classification Scheme 2023. Collection method: clinical testing. Allele origin: germline.
Comment: The p.V3345A variant (also known as c.10034T>C), located in coding exon 2 of the ZNF469 gene, results from a T to C substitution at nucleotide position 10034. The valine at codon 3345 is replaced by alanine, an amino acid with similar properties. This amino acid position is conserved. In addition, this alteration is predicted to be tolerated by in silico analysis. Based on the available evidence, the clinical significance of this variant remains unclear.